The following is an entry in ClinVar:

ClinVar aggregate classification (germline): Pathogenic/Likely pathogenic. Review status: criteria provided, multiple submitters, no conflicts (2 of 4 stars). 3 submissions from 3 submitters: Pathogenic (2); Likely pathogenic (1). Last evaluated 2026-07-27.

Conditions:
Alstrom syndrome (ALMS). Identifiers: Orphanet 64, MedGen C0268425, MONDO:0008763, OMIM 203800.
Cardiovascular phenotype. Identifiers: MedGen CN230736.

Allele frequency attached by ClinVar (database versions not stated): gnomAD exomes below 0.00001 and 0.00001; TOPMed 0.00001; gnomAD 0.00001; ExAC 0.00001.
gnomAD v4.1: 6 of 1,613,942 alleles (0.00037%); highest among the groups gnomAD compares: Non-Finnish European, 0.00051%; no homozygotes.

Submissions (3):

Ambry Genetics
Classification: Pathogenic for Cardiovascular phenotype. Last evaluated: 2026-07-27. Review status: criteria provided, single submitter. Criteria: Ambry Variant Classification Scheme 2023. Collection method: clinical testing. Allele origin: germline.
Comment: The c.3652A>T (p.K1218*) alteration, located in exon 8 (coding exon 8) of the ALMS1 gene, consists of a A to T substitution at nucleotide position 3652. This changes the amino acid from a lysine (K) to a stop codon at amino acid position 1218. This variant is expected to result in loss of function by premature protein truncation or nonsense-mediated mRNA decay. Based on data from gnomAD, the T allele has an overall frequency of <0.001% (1/249346) total alleles studied. The highest observed frequency was 0.001% (1/113090) of European (non-Finnish) alleles. Based on the available evidence, this alteration is classified as pathogenic.

Natera, Inc.
Classification: Likely pathogenic for Alstrom syndrome. Last evaluated: 2025-02-03. Review status: criteria provided, single submitter. Criteria: Natera Variant Classification Schema (03/2026). Collection method: clinical testing. Allele origin: germline.
Comment: The c.3652A>T variant in ALMS1 is a nonsense variant predicted to introduce a stop codon at amino acid 1218. This variant is expected to result in nonsense mediated decay, truncation, or a dysfunctional protein product. This variant is rare in the general population with a frequency below the threshold expected for the associated phenotype(s). Given the available evidence, this variant is classified as Likely Pathogenic.

Labcorp Genetics (formerly Invitae), Labcorp
Classification: Pathogenic for Alstrom syndrome. Last evaluated: 2022-03-23. Review status: criteria provided, single submitter. Criteria: Invitae Variant Classification Sherloc (09022015). Collection method: clinical testing. Allele origin: germline.
Comment: For these reasons, this variant has been classified as Pathogenic. This variant has not been reported in the literature in individuals affected with ALMS1-related conditions. This variant is present in population databases (rs779928593, gnomAD 0.0009%). This sequence change creates a premature translational stop signal (p.Lys1218*) in the ALMS1 gene. It is expected to result in an absent or disrupted protein product. Loss-of-function variants in ALMS1 are known to be pathogenic (PMID: 17594715).

Literature cited by the submitters: PubMed 17594715 (cited by Labcorp Genetics (formerly Invitae), Labcorp).

NM_001378454.1(ALMS1):c.3649A>T (p.Lys1217Ter)

Gene: ALMS1 (ALMS1 centrosome and basal body associated protein; plus strand). Cytogenetic location: 2p13.1.
Variant type: single nucleotide variant.
Coding change: c.3649A>T on transcript NM_001378454.1 (MANE Select); coding-DNA position 3649, A replaced by T.
Protein change: p.Lys1217Ter; replaces lysine 1217 with a stop codon.
Molecular consequence: nonsense.
Genome position (GRCh38, 1-based): chr2:73,450,176, A>T. VCF-style: chr2-73450176-A-T. GRCh37 (hg19) VCF-style: chr2-73677303-A-T.
Other names: c.3652A>T, p.Lys1218Ter (NM_015120.4); short protein forms K1217*, K1218*.
Identifiers: ClinVar variation 1454607 (VCV001454607.9), dbSNP rs779928593, ClinGen allele CA1713566.